The following is an entry in ClinVar:

NM_001220.5(CAMK2B):c.1379G>A (p.Gly460Asp)

Gene: CAMK2B (calcium/calmodulin dependent protein kinase II beta; minus strand). Cytogenetic location: 7p13.
Variant type: single nucleotide variant.
Coding change: c.1379G>A on transcript NM_001220.5 (MANE Select); coding-DNA position 1379, G replaced by A.
Protein change: p.Gly460Asp; replaces glycine 460 with aspartic acid.
Molecular consequence: missense variant. On other transcripts: intron variant (8).
Genome position (GRCh38, 1-based): chr7:44,228,885, C>T on the plus strand (G>A on the coding strand, the complement: CAMK2B is on the minus strand). VCF-style: chr7-44228885-C-T. GRCh37 (hg19) VCF-style: chr7-44268484-C-T.
Other names: c.947-7984G>A (NM_172084.3); c.1150+2121G>A (NM_172080.3); c.1036+2121G>A (NM_172083.3); c.1108+2121G>A (NM_172081.3); c.1153+2121G>A (NM_172079.3, NM_172082.3); c.1225+2121G>A (NM_001293170.2, NM_172078.3); short protein forms G460D.
Identifiers: ClinVar variation 5037088 (VCV005037088.1).

ClinVar aggregate classification (germline): Uncertain significance (1 of 4 stars; one submission).

Submission:

GeneDx
Classification: Uncertain significance. Last evaluated: 2026-04-17. Review status: criteria provided, single submitter. Criteria: GeneDx Variant Classification Process June 2021. Collection method: clinical testing. Allele origin: germline.
Comment: Not observed at significant frequency in large population cohorts (gnomAD); In silico analysis suggests that this missense variant does not alter protein structure/function; Has not been previously published as pathogenic or benign to our knowledge